The following is an entry in ClinVar:

ClinVar aggregate classification (germline): Pathogenic (1 of 4 stars; one submission).

Conditions:
Duchenne muscular dystrophy (DMD). Also called: Duchenne Muscular Dystrophy (DMD); MUSCULAR DYSTROPHY, PSEUDOHYPERTROPHIC PROGRESSIVE, DUCHENNE TYPE. Identifiers: Orphanet 98896, MedGen C0013264, MONDO:0010679, OMIM 310200.

Submission:

Labcorp Genetics (formerly Invitae), Labcorp
Classification: Pathogenic for Duchenne muscular dystrophy. Last evaluated: 2019-12-12. Review status: criteria provided, single submitter. Criteria: Invitae Variant Classification Sherloc (09022015). Collection method: clinical testing. Allele origin: germline.
Comment: This variant is an out-of-frame deletion of the genomic region encompassing exons 44-48 of the DMD gene. This is expected to create a premature translational stop signal and result in an absent or disrupted protein product. This variant has been observed in individual(s) with Duchenne or Becker muscular dystrophy (PMID: 11409318). Loss-of-function variants in DMD are known to be pathogenic (PMID: 16770791, 25007885). For these reasons, this variant has been classified as Pathogenic.

Literature cited by the submitters: PubMed 11409318.

NC_000023.11:g.(?_31875178)_(32217073_?)del

Gene: DMD (dystrophin; minus strand). Cytogenetic location: Xp21.1.
Variant type: Deletion.
Identifiers: ClinVar variation 830499 (VCV000830499.1).